The following is an entry in ClinVar:

ClinVar aggregate classification (germline): Uncertain significance (1 of 4 stars; one submission).

Conditions:
Congenital myasthenic syndrome 15. Also called: Myasthenic syndrome, congenital, 15, without tubular aggregates. Identifiers: Orphanet 353327, Orphanet 590, MedGen C4015596, MONDO:0014542, OMIM 616227.

Submission:

Labcorp Genetics (formerly Invitae), Labcorp
Classification: Uncertain significance for Congenital myasthenic syndrome 15. Last evaluated: 2021-08-24. Review status: criteria provided, single submitter. Criteria: Invitae Variant Classification Sherloc (09022015). Collection method: clinical testing. Allele origin: germline.
Comment: This variant is a gross deletion of the genomic region encompassing exon(s) 1 of the ALG14 gene, which includes the initiator codon. This deletion extends beyond the assayed region for this gene and therefore may encompass additional genes. It is expected to result in an absent or disrupted protein product. However, the current clinical and genetic evidence is not sufficient to establish whether loss-of-function variants in ALG14 cause disease. This variant has not been reported in the literature in individuals affected with ALG14-related conditions. Experimental studies and prediction algorithms are not available or were not evaluated, and the functional significance of this variant is currently unknown. In summary, the available evidence is currently insufficient to determine the role of this variant in disease. Therefore, it has been classified as a Variant of Uncertain Significance.

NC_000001.10:g.(?_95538299)_(95538454_?)del

Gene: ALG14 (ALG14 UDP-N-acetylglucosaminyltransferase subunit; minus strand). Cytogenetic location: 1p21.3.
Variant type: Deletion.
Identifiers: ClinVar variation 1412749 (VCV001412749.1).